The following is an entry in ClinVar:

ClinVar aggregate classification (germline): Uncertain significance (1 of 4 stars; one submission).

Conditions:
Alstrom syndrome (ALMS). Identifiers: Orphanet 64, MedGen C0268425, MONDO:0008763, OMIM 203800.

Allele frequency attached by ClinVar (database versions not stated): TOPMed below 0.00001; gnomAD exomes 0.00002.
gnomAD v4.1: 36 of 1,614,100 alleles (0.0022%); highest among the groups gnomAD compares: Non-Finnish European, 0.003%; no homozygotes.

Submission:

Labcorp Genetics (formerly Invitae), Labcorp
Classification: Uncertain significance for Alstrom syndrome. Last evaluated: 2023-08-10. Review status: criteria provided, single submitter. Criteria: Invitae Variant Classification Sherloc (09022015). Collection method: clinical testing. Allele origin: germline.
Comment: In summary, the available evidence is currently insufficient to determine the role of this variant in disease. Therefore, it has been classified as a Variant of Uncertain Significance. Experimental studies and prediction algorithms are not available or were not evaluated, and the functional significance of this variant is currently unknown. ClinVar contains an entry for this variant (Variation ID: 1438486). This variant has not been reported in the literature in individuals affected with ALMS1-related conditions. This variant is present in population databases (no rsID available, gnomAD 0.004%). This sequence change replaces serine with leucine at codon 936 of the ALMS1 protein (p.Ser936Leu). The serine residue is weakly conserved and there is a large physicochemical difference between serine and leucine.

NM_001378454.1(ALMS1):c.2804C>T (p.Ser935Leu)

Gene: ALMS1 (ALMS1 centrosome and basal body associated protein; plus strand). Cytogenetic location: 2p13.1.
Variant type: single nucleotide variant.
Coding change: c.2804C>T on transcript NM_001378454.1 (MANE Select); coding-DNA position 2804, C replaced by T.
Protein change: p.Ser935Leu; replaces serine 935 with leucine.
Molecular consequence: missense variant.
Genome position (GRCh38, 1-based): chr2:73,449,331, C>T. VCF-style: chr2-73449331-C-T. GRCh37 (hg19) VCF-style: chr2-73676458-C-T.
Other names: c.2807C>T, p.Ser936Leu (NM_015120.4); short protein forms S935L, S936L.
Identifiers: ClinVar variation 1438486 (VCV001438486.6), dbSNP rs1183510271, ClinGen allele CA347272199.
Genomic context (GRCh38, chr2:73,449,331, plus strand): 5'-TTATTTTTTCCCAGCAGACCCTGCCAGACTTTCTTTTCCCTGAAGAAGCTCTGAAGGTTT[C>T]AGCTGTTTCTGTATTGGCTGCCCAGAAGACTGGGACACCAACAGTGTCCTCTAATTCTCA-3'
Protein context (NP_001365383.1, residues 925-945): FLFPEEALKV[Ser935Leu]AVSVLAAQKT